The following is an entry in ClinVar:

ClinVar aggregate classification (germline): Pathogenic (0 of 4 stars; one submission).

Conditions:
Steinert myotonic dystrophy syndrome (DM1). Also called: STEINERT DISEASE; Myotonic dystrophy type 1; Dystrophia myotonica type 1; Steinert myotonic dystrophy; Steinert's disease. Identifiers: Orphanet 273, MedGen C3250443, MONDO:0008056, OMIM 160900.

Submission:

Institute of Molecular, Cell and Systems Biology, University of Glasgow
Classification: Pathogenic for Steinert myotonic dystrophy syndrome. Review status: no assertion criteria provided. Criteria: research. Collection method: research. Allele origin: germline. Inheritance: Autosomal dominant inheritance. Affected: yes. Observed: 1 heterozygote.
Comment: DMPK CTG repeat expansions greater than approximately 45-50 repeats are assumed to be pathogenic

This record is based on data published in PubMed 25052313, which reports only ClinVar accessions SCV000120188 and SCV000120189. The complete data set includes SCV000207445 - SCV000207579.

Literature cited by the submitters: PubMed 1346923; PubMed 1546326; PubMed 25052313.

NM_004409.5(DMPK):c.*224CTG[614]

Genes: DM1-AS (DM1 locus antisense RNA; plus strand), DMPK (DM1 protein kinase; minus strand), LOC107075317 (origin of replication in DMPK trinucleotide repeat region; plus strand), LOC109461477 (dystrophia myotonica protein kinase repeat instability region; plus strand). Cytogenetic location: 19q13.32.
Variant type: Microsatellite.
Coding change: c.*224CTG[614] on transcript NM_004409.5 (MANE Select); 614 copies in a row of the 3-base unit CTG starting at c.*224.
Molecular consequence: 3 prime UTR variant.
Genome position: GRCh38, VCF-style position (the base before the change): chr19:45,770,204. GRCh37 (hg19), VCF-style position (the base before the change): chr19:46,273,462.
Other names: DM1 CTG repeat expansion; c.*217CTG[614] (NM_001288765.2, NM_001424163.1, NM_001424162.1 and 2 more transcripts); c.*222_*224TGC[614] (NM_001081563.3); c.*224CTG[614] (NM_001288764.2, NM_001424165.1, NM_001424169.1 and 1 more transcripts); c.*369CTG[614] (NM_001288766.2, NM_001424164.1, NM_001424168.1).
Identifiers: ClinVar variation 188014 (VCV000188014.1), ClinGen allele CA915951842.